The following is an entry in ClinVar:

ClinVar aggregate classification (germline): Uncertain significance (1 of 4 stars; one submission).

Conditions:
Perlman syndrome (PRLMNS). Identifiers: Orphanet 2849, MedGen C0796113, MONDO:0009965, OMIM 267000.

Allele frequency attached by ClinVar (database versions not stated): ExAC 0.00001.
gnomAD v4.1: 1 of 1,613,870 alleles (0.000062%); highest among the groups gnomAD compares: Non-Finnish European, 0.000085%; no homozygotes.

Submission:

Labcorp Genetics (formerly Invitae), Labcorp
Classification: Uncertain significance for Perlman syndrome. Last evaluated: 2023-08-07. Review status: criteria provided, single submitter. Criteria: Invitae Variant Classification Sherloc (09022015). Collection method: clinical testing. Allele origin: germline.
Comment: This sequence change replaces glutamic acid, which is acidic and polar, with glutamine, which is neutral and polar, at codon 366 of the DIS3L2 protein (p.Glu366Gln). In summary, the available evidence is currently insufficient to determine the role of this variant in disease. Therefore, it has been classified as a Variant of Uncertain Significance. Advanced modeling of protein sequence and biophysical properties (such as structural, functional, and spatial information, amino acid conservation, physicochemical variation, residue mobility, and thermodynamic stability) performed at Invitae indicates that this missense variant is not expected to disrupt DIS3L2 protein function. ClinVar contains an entry for this variant (Variation ID: 1362492). This variant has not been reported in the literature in individuals affected with DIS3L2-related conditions. This variant is present in population databases (rs760123810, gnomAD 0.0009%).

NM_152383.5(DIS3L2):c.1096G>C (p.Glu366Gln)

Gene: DIS3L2 (DIS3 like 3'-5' exoribonuclease 2; plus strand). Cytogenetic location: 2q37.1.
Variant type: single nucleotide variant.
Coding change: c.1096G>C on transcript NM_152383.5 (MANE Select); coding-DNA position 1096, G replaced by C.
Protein change: p.Glu366Gln; replaces glutamic acid 366 with glutamine.
Molecular consequence: missense variant. On other transcripts: non-coding transcript variant (2).
Genome position (GRCh38, 1-based): chr2:232,163,604, G>C. VCF-style: chr2-232163604-G-C. GRCh37 (hg19) VCF-style: chr2-233028314-G-C.
Other names: c.1096G>C, p.Glu366Gln (NM_001257281.2); short protein forms E366Q.
Identifiers: ClinVar variation 1362492 (VCV001362492.8), dbSNP rs760123810, ClinGen allele CA2164003.